The following is an entry in ClinVar:

NM_003978.5(PSTPIP1):c.86T>C (p.Leu29Pro)

Gene: PSTPIP1 (proline-serine-threonine phosphatase interacting protein 1; plus strand). Cytogenetic location: 15q24.3.
Variant type: single nucleotide variant.
Coding change: c.86T>C on transcript NM_003978.5 (MANE Select); coding-DNA position 86, T replaced by C.
Protein change: p.Leu29Pro; replaces leucine 29 with proline.
Molecular consequence: missense variant. On other transcripts: non-coding transcript variant (1).
Genome position (GRCh38, 1-based): chr15:77,018,197, T>C. VCF-style: chr15-77018197-T-C. GRCh37 (hg19) VCF-style: chr15-77310538-T-C.
Other names: c.86T>C, p.Leu29Pro (NM_001321135.2); c.59T>C, p.Leu20Pro (NM_001321136.2); c.281T>C, p.Leu94Pro (NM_001321137.1); short protein forms L29P, L20P, L94P.
Identifiers: ClinVar variation 1487817 (VCV001487817.7), dbSNP rs1375790630, ClinGen allele CA393518230.

ClinVar aggregate classification (germline): Uncertain significance. Review status: criteria provided, multiple submitters, no conflicts (2 of 4 stars). 2 submissions from 2 submitters: Uncertain significance (2). Last evaluated 2023-11-28.

Conditions:
Pyogenic arthritis-pyoderma gangrenosum-acne syndrome (PAPA). Also called: PAPA SYNDROME; FAMILIAL RECURRENT ARTHRITIS. Identifiers: Orphanet 69126, MedGen C1858361, MONDO:0011462, OMIM 604416.

Allele frequency attached by ClinVar (database versions not stated): gnomAD exomes below 0.00001; gnomAD 0.00001.

Submissions (2):

Labcorp Genetics (formerly Invitae), Labcorp
Classification: Uncertain significance for Pyogenic arthritis-pyoderma gangrenosum-acne syndrome. Last evaluated: 2023-11-28. Review status: criteria provided, single submitter. Criteria: Invitae Variant Classification Sherloc (09022015). Collection method: clinical testing. Allele origin: germline.
Comment: This sequence change replaces leucine, which is neutral and non-polar, with proline, which is neutral and non-polar, at codon 29 of the PSTPIP1 protein (p.Leu29Pro). The frequency data for this variant in the population databases is considered unreliable, as metrics indicate poor data quality at this position in the gnomAD database. This variant has not been reported in the literature in individuals affected with PSTPIP1-related conditions. ClinVar contains an entry for this variant (Variation ID: 1487817). Advanced modeling of protein sequence and biophysical properties (such as structural, functional, and spatial information, amino acid conservation, physicochemical variation, residue mobility, and thermodynamic stability) performed at Invitae indicates that this missense variant is expected to disrupt PSTPIP1 protein function with a positive predictive value of 80%. In summary, the available evidence is currently insufficient to determine the role of this variant in disease. Therefore, it has been classified as a Variant of Uncertain Significance.

Blueprint Genetics
Classification: Uncertain significance. Last evaluated: 2023-10-15. Review status: criteria provided, single submitter. Criteria: ACMG Guidelines, 2015. Collection method: clinical testing. Allele origin: germline.